The following is an entry in ClinVar:

NC_000015.10:g.84816917G>C

Gene: ALPK3 (alpha kinase 3; plus strand). Cytogenetic location: 15q25.3.
Variant type: single nucleotide variant.
Genome position: GRCh38 VCF-style: chr15-84816917-G-C. GRCh37 (hg19) VCF-style: chr15-85360148-G-C.
Other names: short protein forms R24P.
Identifiers: ClinVar variation 1922943 (VCV001922943.5), dbSNP rs373770472, ClinGen allele CA7708781.

ClinVar aggregate classification (germline): Uncertain significance. Review status: criteria provided, multiple submitters, no conflicts (2 of 4 stars). 2 submissions from 2 submitters: Uncertain significance (2). Last evaluated 2025-07-02.

Conditions:
Cardiovascular phenotype. Identifiers: MedGen CN230736.

Allele frequency attached by ClinVar (database versions not stated): ESP Exome Variant Server 0.00008.

Submissions (2):

Labcorp Genetics (formerly Invitae), Labcorp
Classification: Uncertain significance. Last evaluated: 2025-07-02. Review status: criteria provided, single submitter. Criteria: Invitae Variant Classification Sherloc (09022015). Collection method: clinical testing. Allele origin: germline.
Comment: This sequence change replaces arginine, which is basic and polar, with proline, which is neutral and non-polar, at codon 24 of the ALPK3 protein (p.Arg24Pro). This variant is present in population databases (rs373770472, gnomAD 0.003%). This variant has not been reported in the literature in individuals affected with ALPK3-related conditions. ClinVar contains an entry for this variant (Variation ID: 1922943). An algorithm developed to predict the effect of missense changes on protein structure and function (PolyPhen-2) suggests that this variant is likely to be tolerated. In summary, the available evidence is currently insufficient to determine the role of this variant in disease. Therefore, it has been classified as a Variant of Uncertain Significance.

Ambry Genetics
Classification: Uncertain significance for Cardiovascular phenotype. Last evaluated: 2024-10-04. Review status: criteria provided, single submitter. Criteria: Ambry Variant Classification Scheme 2023. Collection method: clinical testing. Allele origin: germline.